The following is an entry in ClinVar:

NM_177972.3(TUB):c.1388-6C>T

Genes: RIC3 (RIC3 acetylcholine receptor chaperone; minus strand), TUB (TUB bipartite transcription factor; plus strand). Cytogenetic location: 11p15.4.
Variant type: single nucleotide variant.
Coding change: c.1388-6C>T on transcript NM_177972.3 (MANE Select); 6 bases into the intron before coding-DNA position 1388, C replaced by T.
Molecular consequence: intron variant.
Genome position (GRCh38, 1-based): chr11:8,101,480, C>T. VCF-style: chr11-8101480-C-T. GRCh37 (hg19) VCF-style: chr11-8123027-C-T.
Other names: c.1553-6C>T (NM_003320.5, NM_003320.4).
Identifiers: ClinVar variation 1104504 (VCV001104504.12), dbSNP rs772662118, ClinGen allele CA5871504.
Genomic context (GRCh38, chr11:8,101,480, plus strand): 5'-ATCCTTCCCTGGCTCTACCATTCCTGTCCTGTCCTTTTCTCTGTCTGTGCCTGTGCTTGG[C>T]CCCAGCGGACTACATCGTGATGCAGTTTGGCCGGGTAGCAGAGGATGTGTTCACCATGGA-3'

ClinVar aggregate classification (germline): Likely benign. Review status: criteria provided, multiple submitters, no conflicts (2 of 4 stars). 3 submissions from 3 submitters: Likely benign (2). 1 of the submissions does not count toward it. Last evaluated 2024-11-05.

Conditions:
TUB-related disorder. Also called: TUB-related condition.

Allele frequency attached by ClinVar (database versions not stated): TOPMed below 0.00001; ExAC 0.00001; gnomAD exomes 0.00001.
gnomAD v4.1: 3 of 1,614,134 alleles (0.00019%); highest among the groups gnomAD compares: Admixed American, 0.0033%; no homozygotes.

Submissions (3):

Labcorp Genetics (formerly Invitae), Labcorp
Classification: Likely benign. Last evaluated: 2024-11-05. Review status: criteria provided, single submitter. Criteria: Invitae Variant Classification Sherloc (09022015). Collection method: clinical testing. Allele origin: germline.

Blueprint Genetics
Classification: Likely benign. Last evaluated: 2022-11-14. Review status: criteria provided, single submitter. Criteria: ACMG Guidelines, 2015. Collection method: clinical testing. Allele origin: germline.

PreventionGenetics, part of Exact Sciences
Classification: Likely benign for TUB-related condition. Last evaluated: 2022-01-13. Review status: no assertion criteria provided. Collection method: clinical testing. Allele origin: germline. Not counted in ClinVar's aggregate classification.
Comment: This variant is classified as likely benign based on ACMG/AMP sequence variant interpretation guidelines (Richards et al. 2015 PMID: 25741868, with internal and published modifications).